The following is an entry in ClinVar:

NM_205836.3(FBXO38):c.1570G>A (p.Asp524Asn)

Gene: FBXO38 (F-box protein 38; plus strand). Cytogenetic location: 5q32.
Variant type: single nucleotide variant.
Coding change: c.1570G>A on transcript NM_205836.3 (MANE Select); coding-DNA position 1570, G replaced by A.
Protein change: p.Asp524Asn; replaces aspartic acid 524 with asparagine.
Molecular consequence: missense variant.
Genome position (GRCh38, 1-based): chr5:148,417,156, G>A. VCF-style: chr5-148417156-G-A. GRCh37 (hg19) VCF-style: chr5-147796719-G-A.
Other names: c.1570G>A, p.Asp524Asn (NM_001271723.2, NM_030793.5); short protein forms D524N.
Identifiers: ClinVar variation 1333471 (VCV001333471.1), dbSNP rs2113589581, ClinGen allele CA361660142.
Genomic context (GRCh38, chr5:148,417,156, plus strand): 5'-AACAATGCCAACATCCACGACAACAATCACCATCATCCAGATGACTCAGACGAGGAGAAT[G>A]ACTTTCGGCAAGATCTGCAGCCAGGAGAGCAGCAGTTTGCAGCTGACGGTAACCCAGATC-3'
Protein context (NP_995308.1, residues 514-534): HHPDDSDEEN[Asp524Asn]FRQDLQPGEQ

ClinVar aggregate classification (germline): Uncertain significance (1 of 4 stars; one submission).

Conditions:
Neuronopathy, distal hereditary motor, type 2D. Also called: NEURONOPATHY, DISTAL HEREDITARY MOTOR, AUTOSOMAL DOMINANT 6; NEURONOPATHY, DISTAL HEREDITARY MOTOR, HARDING TYPE IID; NEUROPATHY, DISTAL HEREDITARY MOTOR, HARDING TYPE IID; HMN IID; SPINAL MUSCULAR ATROPHY, DISTAL, AUTOSOMAL DOMINANT, CALF-PREDOMINANT. Identifiers: Orphanet 139525, MedGen C3888271, MONDO:0014259, OMIM 615575.

Submission:

3billion
Classification: Uncertain significance for Neuronopathy, distal hereditary motor, type 2D. Last evaluated: 2022-01-03. Review status: criteria provided, single submitter. Criteria: ACMG Guidelines, 2015. Collection method: clinical testing. Allele origin: germline. Affected: yes. Observed: 1 heterozygote.
Comment: The variant is not observed in the gnomAD v2.1.1 dataset (PM2_M). A missense variant is a common mechanism associated with Neuronopathy (PP2_P). Therefore, this variant is classified as uncertain significance according to the recommendation of ACMG/AMP guideline.